The following is an entry in ClinVar:

NM_000081.4(LYST):c.3236C>G (p.Ser1079Ter)

Gene: LYST (lysosomal trafficking regulator; minus strand). Cytogenetic location: 1q42.3.
Variant type: single nucleotide variant.
Coding change: c.3236C>G on transcript NM_000081.4 (MANE Select); coding-DNA position 3236, C replaced by G.
Protein change: p.Ser1079Ter; replaces serine 1079 with a stop codon.
Molecular consequence: nonsense.
Genome position (GRCh38, 1-based): chr1:235,805,900, G>C on the plus strand (C>G on the coding strand, the complement: LYST is on the minus strand). VCF-style: chr1-235805900-G-C. GRCh37 (hg19) VCF-style: chr1-235969200-G-C.
Other names: c.3236C>G, p.Ser1079Ter (NM_001301365.1); short protein forms S1079*.
Identifiers: ClinVar variation 5006298 (VCV005006298.2).

ClinVar aggregate classification (germline): Likely pathogenic (1 of 4 stars; one submission).

Conditions:
Chédiak-Higashi syndrome (CHS). Also called: Chediak-Higashi Syndrome. Identifiers: Orphanet 167, MedGen C0007965, MONDO:0008963, OMIM 214500.

Submission:

Juno Genomics, Hangzhou Juno Genomics, Inc
Classification: Likely pathogenic for Chédiak-Higashi syndrome. Review status: criteria provided, single submitter. Criteria: ACMG Guidelines, 2015. Collection method: clinical testing. Allele origin: germline.
Comment: Null variant in a gene where loss of function (LOF) is a known mechanism of disease.;Absent from controls (or at extremely low frequency if recessive) in Genome Aggregation Database.